The following is an entry in ClinVar:

NM_153816.6(SNX14):c.2654A>G (p.Asp885Gly)

Gene: SNX14 (sorting nexin 14; minus strand). Cytogenetic location: 6q14.3.
Variant type: single nucleotide variant.
Coding change: c.2654A>G on transcript NM_153816.6 (MANE Select); coding-DNA position 2654, A replaced by G.
Protein change: p.Asp885Gly; replaces aspartic acid 885 with glycine.
Molecular consequence: missense variant. On other transcripts: non-coding transcript variant (6).
Genome position (GRCh38, 1-based): chr6:85,508,059, T>C on the plus strand (A>G on the coding strand, the complement: SNX14 is on the minus strand). VCF-style: chr6-85508059-T-C. GRCh37 (hg19) VCF-style: chr6-86217777-T-C.
Other names: c.2627A>G, p.Asp876Gly (NM_001297614.3); c.2498A>G, p.Asp833Gly (NM_001304479.2); c.2717A>G, p.Asp906Gly (NM_001350532.2); c.2651A>G, p.Asp884Gly (NM_001350533.2, NM_001350535.2); c.2624A>G, p.Asp875Gly (NM_001350534.2); c.2522A>G, p.Asp841Gly (NM_001350536.2); c.2519A>G, p.Asp840Gly (NM_001350537.2); c.2510A>G, p.Asp837Gly (NM_001350538.2); and 10 more; short protein forms D491G, D500G, D535G, D737G, D785G, D788G, D789G, D821G.
Identifiers: ClinVar variation 2501981 (VCV002501981.3), dbSNP rs899103508, ClinGen allele CA142026489.
Genomic context (GRCh38, chr6:85,508,059, plus strand): 5'-TCAAACAGAAGTCTGATGCTTTCATACTTGGTTTCTTCACCAATACACTTGACTAACAGA[T>C]CTAAACAAAAAGGCCAAATGTGAAATAATTTTATATTATAAAGTGACTCACCATTAACTG-3'
Protein context (NP_722523.1, residues 875-895): TFEEMMNYIP[Asp885Gly]LLVKCIGEET

ClinVar aggregate classification (germline): Uncertain significance (1 of 4 stars; one submission).

Allele frequency attached by ClinVar (database versions not stated): gnomAD 0.00001; TOPMed 0.00001; gnomAD exomes 0.00003.

Submission:

GeneDx
Classification: Uncertain significance. Last evaluated: 2023-05-10. Review status: criteria provided, single submitter. Criteria: GeneDx Variant Classification Process June 2021. Collection method: clinical testing. Allele origin: germline. Affected: yes.
Comment: Not observed at significant frequency in large population cohorts (gnomAD); In silico analysis supports that this missense variant does not alter protein structure/function; Has not been previously published as pathogenic or benign to our knowledge